The following is an entry in ClinVar:

ClinVar aggregate classification (germline): Uncertain significance. Review status: criteria provided, multiple submitters, no conflicts (2 of 4 stars). 2 submissions from 2 submitters: Uncertain significance (2). Last evaluated 2022-06-19.

Allele frequency attached by ClinVar (database versions not stated): gnomAD exomes below 0.00001.
gnomAD v4.1: 3 of 1,614,232 alleles (0.00019%); highest among the groups gnomAD compares: East Asian, 0.0045%; no homozygotes.

Submissions (2):

Ambry Genetics
Classification: Uncertain significance. Last evaluated: 2022-06-19. Review status: criteria provided, single submitter. Criteria: Ambry Variant Classification Scheme 2023. Collection method: clinical testing. Allele origin: germline.
Comment: The p.S1187A variant (also known as c.3559T>G), located in coding exon 29 of the A2ML1 gene, results from a T to G substitution at nucleotide position 3559. The serine at codon 1187 is replaced by alanine, an amino acid with similar properties. This amino acid position is conserved. In addition, this alteration is predicted to be tolerated by in silico analysis. Since supporting evidence is limited at this time, the clinical significance of this alteration remains unclear.

Labcorp Genetics (formerly Invitae), Labcorp
Classification: Uncertain significance. Last evaluated: 2022-05-01. Review status: criteria provided, single submitter. Criteria: Invitae Variant Classification Sherloc (09022015). Collection method: clinical testing. Allele origin: germline.
Comment: In summary, the available evidence is currently insufficient to determine the role of this variant in disease. Therefore, it has been classified as a Variant of Uncertain Significance. Algorithms developed to predict the effect of missense changes on protein structure and function (SIFT, PolyPhen-2, Align-GVGD) all suggest that this variant is likely to be tolerated. This variant has not been reported in the literature in individuals affected with A2ML1-related conditions. This variant is not present in population databases (gnomAD no frequency). This sequence change replaces serine, which is neutral and polar, with alanine, which is neutral and non-polar, at codon 1187 of the A2ML1 protein (p.Ser1187Ala).

NM_144670.6(A2ML1):c.3559T>G (p.Ser1187Ala)

Gene: A2ML1 (alpha-2-macroglobulin like 1; plus strand). Cytogenetic location: 12p13.31.
Variant type: single nucleotide variant.
Coding change: c.3559T>G on transcript NM_144670.6 (MANE Select); coding-DNA position 3559, T replaced by G.
Protein change: p.Ser1187Ala; replaces serine 1187 with alanine.
Molecular consequence: missense variant.
Genome position (GRCh38, 1-based): chr12:8,863,850, T>G. VCF-style: chr12-8863850-T-G. GRCh37 (hg19) VCF-style: chr12-9016446-T-G.
Other names: c.2086T>G, p.Ser696Ala (NM_001282424.3); short protein forms S1187A, S696A.
Identifiers: ClinVar variation 1732670 (VCV001732670.7), dbSNP rs2539298041, ClinGen allele CA383841923.